The following is an entry in ClinVar:

NM_002485.5(NBN):c.2226T>G (p.Asp742Glu)

Gene: NBN (nibrin; minus strand). Cytogenetic location: 8q21.3.
Variant type: single nucleotide variant.
Coding change: c.2226T>G on transcript NM_002485.5 (MANE Select); coding-DNA position 2226, T replaced by G.
Protein change: p.Asp742Glu; replaces aspartic acid 742 with glutamic acid.
Molecular consequence: missense variant.
Genome position (GRCh38, 1-based): chr8:89,937,034, A>C on the plus strand (T>G on the coding strand, the complement: NBN is on the minus strand). VCF-style: chr8-89937034-A-C. GRCh37 (hg19) VCF-style: chr8-90949262-A-C.
Other names: c.1980T>G, p.Asp660Glu (NM_001024688.3); short protein forms D742E, D660E.
Identifiers: ClinVar variation 461547 (VCV000461547.21), dbSNP rs767523514, ClinGen allele CA371674753.

ClinVar aggregate classification (germline): Uncertain significance. Review status: criteria provided, multiple submitters, no conflicts (2 of 4 stars). 5 submissions from 5 submitters: Uncertain significance (5). Last evaluated 2025-10-22.

Conditions:
Hereditary cancer-predisposing syndrome. Also called: Hereditary neoplastic syndrome; Neoplastic Syndromes, Hereditary; Tumor predisposition; Hereditary Cancer Syndrome. Identifiers: Orphanet 140162, MedGen C0027672, MeSH D009386, MONDO:0015356.
Aplastic anemia. Identifiers: Orphanet 182040, Orphanet 88, MedGen C0002874, MONDO:0015909, OMIM 609135, HP:0001915.
Microcephaly, normal intelligence and immunodeficiency (NBS). Also called: IMMUNODEFICIENCY, MICROCEPHALY, AND CHROMOSOMAL INSTABILITY; SEEMANOVA SYNDROME II; Nijmegen breakage syndrome; Microcephaly with normal intelligence immunodeficiency and lymphoreticular malignancies; Nonsyndromal microcephaly autosomal recessive with normal intelligence; Seemanova syndrome 2. Identifiers: Orphanet 647, MedGen C0398791, MONDO:0009623, OMIM 251260.

Allele frequency attached by ClinVar (database versions not stated): TOPMed 0.00002.
gnomAD v4.1: 3 of 1,610,586 alleles (0.00019%); highest among the groups gnomAD compares: African/African-American, 0.004%; no homozygotes.

Submissions (5):

Ambry Genetics
Classification: Uncertain significance for Hereditary cancer-predisposing syndrome. Last evaluated: 2025-10-22. Review status: criteria provided, single submitter. Criteria: Ambry Variant Classification Scheme 2023. Collection method: clinical testing. Allele origin: germline.
Comment: The p.D742E variant (also known as c.2226T>G), located in coding exon 15 of the NBN gene, results from a T to G substitution at nucleotide position 2226. The aspartic acid at codon 742 is replaced by glutamic acid, an amino acid with highly similar properties. This amino acid position is highly conserved in available vertebrate species. In addition, this alteration is predicted to be tolerated by in silico analysis. Since supporting evidence is limited at this time, the clinical significance of this alteration remains unclear.

Labcorp Genetics (formerly Invitae), Labcorp
Classification: Uncertain significance for Microcephaly, normal intelligence and immunodeficiency. Last evaluated: 2025-07-23. Review status: criteria provided, single submitter. Criteria: Invitae Variant Classification Sherloc (09022015). Collection method: clinical testing. Allele origin: germline.
Comment: This sequence change replaces aspartic acid, which is acidic and polar, with glutamic acid, which is acidic and polar, at codon 742 of the NBN protein (p.Asp742Glu). This variant is not present in population databases (gnomAD no frequency). This variant has not been reported in the literature in individuals affected with NBN-related conditions. ClinVar contains an entry for this variant (Variation ID: 461547). An algorithm developed to predict the effect of missense changes on protein structure and function outputs the following: PolyPhen-2: "Possibly Damaging". The glutamic acid amino acid residue is found in multiple mammalian species, which suggests that this missense change does not adversely affect protein function. In summary, the available evidence is currently insufficient to determine the role of this variant in disease. Therefore, it has been classified as a Variant of Uncertain Significance.

Baylor Genetics
Classification: Uncertain significance for Aplastic anemia. Last evaluated: 2023-10-23. Review status: criteria provided, single submitter. Criteria: ACMG Guidelines, 2015. Collection method: clinical testing. Allele origin: unknown.

Sema4
Classification: Uncertain significance for Hereditary cancer-predisposing syndrome. Last evaluated: 2022-03-05. Review status: criteria provided, single submitter. Criteria: Sema4 Curation Guidelines. Collection method: curation. Allele origin: germline.
Comment: The NBN c.2226T>G (p.D742E) variant has not been reported in the literature to our knowledge. This variant is not reported in the population database Genome Aggregation Database (PMID: 32461654). This variant has been reported in ClinVar (Variation ID: 461547). Functional studies have not been performed, and in silico predictions of the variant's effect on protein function are inconclusive. The evidence is insufficient to meet ACMG/AMP criteria for classifying the variant as benign or pathogenic. Thus, the clinical significance of this variant is currently uncertain.

Genome-Nilou Lab
Classification: Uncertain significance for Microcephaly, normal intelligence and immunodeficiency. Last evaluated: 2021-11-07. Review status: criteria provided, single submitter. Criteria: ACMG Guidelines, 2015. Collection method: clinical testing. Allele origin: germline. Affected: no.